The following is an entry in ClinVar:

ClinVar aggregate classification (germline): Likely benign (1 of 4 stars; one submission).

Submission:

CeGaT Center for Human Genetics Tuebingen
Classification: Likely benign. Last evaluated: 2025-02-01. Review status: criteria provided, single submitter. Criteria: CeGaT Center For Human Genetics Tuebingen Variant Classification Criteria Version 2. Collection method: clinical testing. Allele origin: germline. Affected: yes. Observed: 1 variant allele.
Comment: IGSF1: BP4

NM_001555.5(IGSF1):c.1247A>T (p.Asp416Val)

Gene: IGSF1 (immunoglobulin superfamily member 1; minus strand). Cytogenetic location: Xq26.1.
Variant type: single nucleotide variant.
Coding change: c.1247A>T on transcript NM_001555.5 (MANE Select); coding-DNA position 1247, A replaced by T.
Protein change: p.Asp416Val; replaces aspartic acid 416 with valine.
Molecular consequence: missense variant.
Genome position (GRCh38, 1-based): chrX:131,281,944, T>A on the plus strand (A>T on the coding strand, the complement: IGSF1 is on the minus strand). VCF-style: chrX-131281944-T-A. GRCh37 (hg19) VCF-style: chrX-130415918-T-A.
Other names: c.1247A>T, p.Asp416Val (NM_001170961.2); c.1220A>T, p.Asp407Val (NM_001170962.2); short protein forms D407V, D416V.
Identifiers: ClinVar variation 3772411 (VCV003772411.13).